The following is an entry in ClinVar:

NM_015346.4(ZFYVE26):c.35C>T (p.Ser12Leu)

Gene: ZFYVE26 (zinc finger FYVE-type containing 26; minus strand). Cytogenetic location: 14q24.1.
Variant type: single nucleotide variant.
Coding change: c.35C>T on transcript NM_015346.4 (MANE Select); coding-DNA position 35, C replaced by T.
Protein change: p.Ser12Leu; replaces serine 12 with leucine.
Molecular consequence: missense variant.
Genome position (GRCh38, 1-based): chr14:67,815,929, G>A on the plus strand (C>T on the coding strand, the complement: ZFYVE26 is on the minus strand). VCF-style: chr14-67815929-G-A. GRCh37 (hg19) VCF-style: chr14-68282646-G-A.
Other names: short protein forms S12L.
Identifiers: ClinVar variation 313934 (VCV000313934.18), dbSNP rs200174594, ClinGen allele CA7240901.

ClinVar aggregate classification (germline): Uncertain significance. Review status: criteria provided, multiple submitters, no conflicts (2 of 4 stars). 2 submissions from 2 submitters: Uncertain significance (2). Last evaluated 2025-02-01.

Conditions:
Hereditary spastic paraplegia 15 (SPG15). Also called: KJELLIN SYNDROME; SPASTIC PARAPLEGIA AND RETINAL DEGENERATION; SPASTIC PARAPLEGIA 15, AUTOSOMAL RECESSIVE. Identifiers: Orphanet 100996, MedGen C1849128, MONDO:0010044, OMIM 270700.

Allele frequency attached by ClinVar (database versions not stated): gnomAD exomes below 0.00001 and 0.00001; gnomAD 0.00001; ExAC 0.00002.
gnomAD v4.1: 5 of 1,613,074 alleles (0.00031%); highest among the groups gnomAD compares: Non-Finnish European, 0.00034%; no homozygotes.

Submissions (2):

CeGaT Center for Human Genetics Tuebingen
Classification: Uncertain significance. Last evaluated: 2025-02-01. Review status: criteria provided, single submitter. Criteria: CeGaT Center For Human Genetics Tuebingen Variant Classification Criteria Version 2. Collection method: clinical testing. Allele origin: germline. Affected: yes. Observed: 1 variant allele.
Comment: ZFYVE26: PM2, BP4

Illumina Laboratory Services, Illumina
Classification: Uncertain significance for Hereditary spastic paraplegia 15. Last evaluated: 2018-01-12. Review status: criteria provided, single submitter. Criteria: ICSL Variant Classification Criteria 13 December 2019. Collection method: clinical testing. Allele origin: germline.